The following is an entry in ClinVar:

ClinVar aggregate classification (germline): Uncertain significance (1 of 4 stars; one submission).

Submission:

Labcorp Genetics (formerly Invitae), Labcorp
Classification: Uncertain significance. Last evaluated: 2022-11-01. Review status: criteria provided, single submitter. Criteria: Invitae Variant Classification Sherloc (09022015). Collection method: clinical testing. Allele origin: germline.
Comment: In summary, the available evidence is currently insufficient to determine the role of this variant in disease. Therefore, it has been classified as a Variant of Uncertain Significance. Variants that disrupt the consensus splice site are a relatively common cause of aberrant splicing (PMID: 17576681, 9536098). Algorithms developed to predict the effect of sequence changes on RNA splicing suggest that this variant is not likely to affect RNA splicing. This variant has not been reported in the literature in individuals affected with BICC1-related conditions. This variant is not present in population databases (gnomAD no frequency). This sequence change affects codon 79 of the BICC1 mRNA. It is a 'silent' change, meaning that it does not change the encoded amino acid sequence of the BICC1 protein. This variant also falls at the last nucleotide of exon 2, which is part of the consensus splice site for this exon.

Literature cited by the submitters: PubMed 17576681; PubMed 9536098.

NM_001080512.3(BICC1):c.237G>A (p.Lys79=)

Gene: BICC1 (BicC family RNA binding protein 1; plus strand). Cytogenetic location: 10q21.1.
Variant type: single nucleotide variant.
Coding change: c.237G>A on transcript NM_001080512.3 (MANE Select); coding-DNA position 237, G replaced by A.
Protein change: p.Lys79=; no amino-acid change (lysine 79 retained).
Molecular consequence: synonymous variant.
Genome position (GRCh38, 1-based): chr10:58,620,901, G>A. VCF-style: chr10-58620901-G-A. GRCh37 (hg19) VCF-style: chr10-60380661-G-A.
Identifiers: ClinVar variation 2088367 (VCV002088367.4), dbSNP rs2492895481, ClinGen allele CA469873259.